The following is an entry in ClinVar:

NM_000493.4(COL10A1):c.1760G>T (p.Gly587Val)

Genes: COL10A1 (collagen type X alpha 1 chain; minus strand), NT5DC1 (5'-nucleotidase domain containing 1; plus strand). Cytogenetic location: 6q22.1.
Variant type: single nucleotide variant.
Coding change: c.1760G>T on transcript NM_000493.4 (MANE Select); coding-DNA position 1760, G replaced by T.
Protein change: p.Gly587Val; replaces glycine 587 with valine.
Molecular consequence: missense variant. On other transcripts: intron variant (1).
Genome position (GRCh38, 1-based): chr6:116,120,356, C>A on the plus strand (G>T on the coding strand, the complement: COL10A1 is on the minus strand). VCF-style: chr6-116120356-C-A. GRCh37 (hg19) VCF-style: chr6-116441519-C-A.
Other names: c.1760G>T, p.Gly587Val (NM_001424106.1, NM_001424107.1); c.529+2411C>A (NM_152729.3); short protein forms G587V.
Identifiers: ClinVar variation 4717054 (VCV004717054.2).

ClinVar aggregate classification (germline): Uncertain significance. Review status: criteria provided, multiple submitters, no conflicts (2 of 4 stars). 2 submissions from 2 submitters: Uncertain significance (2). Last evaluated 2025-09-30.

Submissions (2):

GeneDx
Classification: Uncertain significance. Last evaluated: 2025-09-30. Review status: criteria provided, single submitter. Criteria: GeneDx Variant Classification Process June 2021. Collection method: clinical testing. Allele origin: germline. Affected: yes.
Comment: Not observed at significant frequency in large population cohorts (gnomAD); In silico analysis supports that this missense variant has a deleterious effect on protein structure/function; Has not been previously published as pathogenic or benign to our knowledge

Labcorp Genetics (formerly Invitae), Labcorp
Classification: Uncertain significance. Last evaluated: 2025-09-29. Review status: criteria provided, single submitter. Criteria: Invitae Variant Classification Sherloc (09022015). Collection method: clinical testing. Allele origin: germline.
Comment: This sequence change replaces glycine, which is neutral and non-polar, with valine, which is neutral and non-polar, at codon 587 of the COL10A1 protein (p.Gly587Val). This variant is not present in population databases (gnomAD no frequency). This variant has not been reported in the literature in individuals affected with COL10A1-related conditions. Invitae Evidence Modeling of protein sequence and biophysical properties (such as structural, functional, and spatial information, amino acid conservation, physicochemical variation, residue mobility, and thermodynamic stability) has been performed for this missense variant. However, the output from this modeling did not meet the statistical confidence thresholds required to predict the impact of this variant on COL10A1 protein function. In summary, the available evidence is currently insufficient to determine the role of this variant in disease. Therefore, it has been classified as a Variant of Uncertain Significance.